The following is an entry in ClinVar:

NM_006312.6(NCOR2):c.2984C>G (p.Ala995Gly)

Gene: NCOR2 (nuclear receptor corepressor 2; minus strand). Cytogenetic location: 12q24.31.
Variant type: single nucleotide variant.
Coding change: c.2984C>G on transcript NM_006312.6 (MANE Select); coding-DNA position 2984, C replaced by G.
Protein change: p.Ala995Gly; replaces alanine 995 with glycine.
Molecular consequence: missense variant.
Genome position (GRCh38, 1-based): chr12:124,362,242, G>C on the plus strand (C>G on the coding strand, the complement: NCOR2 is on the minus strand). VCF-style: chr12-124362242-G-C. GRCh37 (hg19) VCF-style: chr12-124846788-G-C.
Other names: c.2930C>G, p.Ala977Gly (NM_001077261.4, NM_001206654.2); short protein forms A977G, A995G.
Identifiers: ClinVar variation 3055856 (VCV003055856.2), dbSNP rs11057592, ClinGen allele CA6868861.

ClinVar aggregate classification (germline): Benign (0 of 4 stars; one submission).

Conditions:
NCOR2-related disorder. Also called: NCOR2-related condition.

Allele frequency attached by ClinVar (database versions not stated): gnomAD exomes 0.00195; ExAC 0.00916; gnomAD 0.02246; 1000 Genomes Project 0.02336; ESP Exome Variant Server 0.02468; TOPMed 0.02510; 1000 Genomes Project 30x 0.02686.
gnomAD v4.1: 5,786 of 1,315,898 alleles (0.44%); highest among the groups gnomAD compares: African/African-American, 7.7%; 210 homozygotes.

Submission:

PreventionGenetics, part of Exact Sciences
Classification: Benign for NCOR2-related condition. Last evaluated: 2019-03-26. Review status: no assertion criteria provided. Collection method: clinical testing. Allele origin: germline.
Comment: This variant is classified as benign based on ACMG/AMP sequence variant interpretation guidelines (Richards et al. 2015 PMID: 25741868, with internal and published modifications).